The following is an entry in ClinVar:

ClinVar aggregate classification (germline): Uncertain significance. Review status: criteria provided, single submitter (1 of 4 stars). 2 submissions from 2 submitters: Uncertain significance (1). 1 of the submissions does not count toward it. Last evaluated 2021-09-01.

Conditions:
Usher syndrome type 1F (USH1F). Also called: USHER SYNDROME, TYPE IF. Identifiers: Orphanet 231169, Orphanet 886, MedGen C1865885, MONDO:0011186, OMIM 602083.

Allele frequency attached by ClinVar (database versions not stated): gnomAD exomes below 0.00001 and 0.00001; ExAC 0.00002; gnomAD 0.00003 and 0.00004; TOPMed 0.00004; ESP Exome Variant Server 0.00008.
gnomAD v4.1: 12 of 1,613,506 alleles (0.00074%); highest among the groups gnomAD compares: African/African-American, 0.015%; no homozygotes.

Submissions (2):

Labcorp Genetics (formerly Invitae), Labcorp
Classification: Uncertain significance. Last evaluated: 2021-09-01. Review status: criteria provided, single submitter. Criteria: Invitae Variant Classification Sherloc (09022015). Collection method: clinical testing. Allele origin: germline.
Comment: This sequence change replaces aspartic acid with asparagine at codon 1110 of the PCDH15 protein (p.Asp1110Asn). The aspartic acid residue is highly conserved and there is a small physicochemical difference between aspartic acid and asparagine. This variant is present in population databases (rs138363888, ExAC 0.02%). This variant has not been reported in the literature in individuals affected with PCDH15-related conditions. Algorithms developed to predict the effect of missense changes on protein structure and function are either unavailable or do not agree on the potential impact of this missense change (SIFT: "Deleterious"; PolyPhen-2: "Probably Damaging"; Align-GVGD: "Class C0"). In summary, the available evidence is currently insufficient to determine the role of this variant in disease. Therefore, it has been classified as a Variant of Uncertain Significance.

Natera, Inc.
Classification: Uncertain significance for Usher syndrome type 1F. Last evaluated: 2020-09-16. Review status: no assertion criteria provided. Collection method: clinical testing. Allele origin: germline. Not counted in ClinVar's aggregate classification.

NM_001384140.1(PCDH15):c.3328G>A (p.Asp1110Asn)

Gene: PCDH15 (protocadherin related 15; minus strand). Cytogenetic location: 10q21.1.
Variant type: single nucleotide variant.
Coding change: c.3328G>A on transcript NM_001384140.1 (MANE Select); coding-DNA position 3328, G replaced by A.
Protein change: p.Asp1110Asn; replaces aspartic acid 1110 with asparagine.
Molecular consequence: missense variant.
Genome position (GRCh38, 1-based): chr10:53,938,860, C>T on the plus strand (G>A on the coding strand, the complement: PCDH15 is on the minus strand). VCF-style: chr10-53938860-C-T. GRCh37 (hg19) VCF-style: chr10-55698620-C-T.
Other names: c.3343G>A, p.Asp1115Asn (NM_001142763.2, NM_001142771.2); c.3328G>A, p.Asp1110Asn (NM_001142764.2, NM_001142766.2, NM_001142770.3 and 4 more transcripts); c.3115G>A, p.Asp1039Asn (NM_001142765.2); c.3217G>A, p.Asp1073Asn (NM_001142767.2); c.3262G>A, p.Asp1088Asn (NM_001142768.2, NM_001142773.2, NM_001354404.2); c.3364G>A, p.Asp1122Asn (NM_001142769.4); c.3349G>A, p.Asp1117Asn (NM_001354411.2); short protein forms D1110N, D1039N, D1073N, D1122N, D1088N, D1115N, D1117N.
Identifiers: ClinVar variation 845278 (VCV000845278.7), dbSNP rs138363888, ClinGen allele CA5505739.